The following is an entry in ClinVar:

NM_000282.4(PCCA):c.183A>G (p.Lys61=)

Gene: PCCA (propionyl-CoA carboxylase subunit alpha; plus strand). Cytogenetic location: 13q32.3.
Variant type: single nucleotide variant.
Coding change: c.183A>G on transcript NM_000282.4 (MANE Select); coding-DNA position 183, A replaced by G.
Protein change: p.Lys61=; no amino-acid change (lysine 61 retained).
Molecular consequence: synonymous variant. On other transcripts: 5 prime UTR variant (3), non-coding transcript variant (4), intron variant (3).
Genome position (GRCh38, 1-based): chr13:100,102,960, A>G. VCF-style: chr13-100102960-A-G. GRCh37 (hg19) VCF-style: chr13-100755214-A-G.
Other names: c.183A>G, p.Lys61= (NM_001178004.2, NM_001352605.2, NM_001352606.2 and 1 more transcripts); c.-684A>G (NM_001352610.2, NM_001352611.2, NM_001352612.2); c.106-8881A>G (NM_001127692.3, NM_001352607.2, NM_001352608.2).
Identifiers: ClinVar variation 2148579 (VCV002148579.3), dbSNP rs1407957966, ClinGen allele CA484741762.
Genomic context (GRCh38, chr13:100,102,960, plus strand): 5'-AAGACAGTGCTTAATGGTGTCCCGTAATCTTGGTTCAGTGGGATATGATCCTAATGAAAA[A>G]GTAAGTATTTAAAAGATATTCTCAACAACTAAATTAAACTTATCATGGTTTTACTTTCTC-3'
Protein context (NP_000273.2, residues 51-71): LGSVGYDPNE[Lys61=]TFDKILVANR

ClinVar aggregate classification (germline): Uncertain significance (1 of 4 stars; one submission).

Conditions:
Propionic acidemia (PROP). Also called: GLYCINEMIA, KETOTIC; HYPERGLYCINEMIA WITH KETOACIDOSIS AND LEUKOPENIA; KETOTIC HYPERGLYCINEMIA. Identifiers: Orphanet 35, MedGen C0268579, MONDO:0011628, OMIM 606054, HP:0003571.

Allele frequency attached by ClinVar (database versions not stated): TOPMed below 0.00001; gnomAD 0.00001.
gnomAD v4.1: 3 of 1,575,248 alleles (0.00019%); highest among the groups gnomAD compares: Admixed American, 0.0017%; no homozygotes.

Submission:

Labcorp Genetics (formerly Invitae), Labcorp
Classification: Uncertain significance for Propionic acidemia. Last evaluated: 2025-01-27. Review status: criteria provided, single submitter. Criteria: Invitae Variant Classification Sherloc (09022015). Collection method: clinical testing. Allele origin: germline.
Comment: This sequence change affects codon 61 of the PCCA mRNA. It is a 'silent' change, meaning that it does not change the encoded amino acid sequence of the PCCA protein. It affects a nucleotide within the consensus splice site. This variant is present in population databases (no rsID available, gnomAD 0.003%). This variant has not been reported in the literature in individuals affected with PCCA-related conditions. ClinVar contains an entry for this variant (Variation ID: 2148579). Algorithms developed to predict the effect of sequence changes on RNA splicing suggest that this variant is not likely to affect RNA splicing. In summary, the available evidence is currently insufficient to determine the role of this variant in disease. Therefore, it has been classified as a Variant of Uncertain Significance.